The following is an entry in ClinVar:

ClinVar aggregate classification (germline): Uncertain significance (1 of 4 stars; one submission).

Conditions:
Periodic fever-infantile enterocolitis-autoinflammatory syndrome. Also called: Autoinflammation with infantile enterocolitis. Identifiers: Orphanet 436166, MedGen C4015067, MONDO:0014472, OMIM 616050.
Familial cold autoinflammatory syndrome 4 (FCAS4). Identifiers: Orphanet 47045, Orphanet 576349, MedGen C4015276, MONDO:0014498, OMIM 616115.

Submission:

Labcorp Genetics (formerly Invitae), Labcorp
Classification: Uncertain significance for Periodic fever-infantile enterocolitis-autoinflammatory syndrome; Familial cold autoinflammatory syndrome 4. Last evaluated: 2026-01-17. Review status: criteria provided, single submitter. Criteria: Invitae Variant Classification Sherloc (09022015). Collection method: clinical testing. Allele origin: germline.
Comment: This sequence change replaces glutamic acid, which is acidic and polar, with lysine, which is basic and polar, at codon 44 of the NLRC4 protein (p.Glu44Lys). This variant is not present in population databases (gnomAD no frequency). This variant has not been reported in the literature in individuals affected with NLRC4-related conditions. An algorithm developed to predict the effect of missense changes on protein structure and function (PolyPhen-2) suggests that this variant is likely to be tolerated. In summary, the available evidence is currently insufficient to determine the role of this variant in disease. Therefore, it has been classified as a Variant of Uncertain Significance.

NM_001199138.2(NLRC4):c.130G>A (p.Glu44Lys)

Gene: NLRC4 (NLR family CARD domain containing 4; minus strand). Cytogenetic location: 2p22.3.
Variant type: single nucleotide variant.
Coding change: c.130G>A on transcript NM_001199138.2 (MANE Select); coding-DNA position 130, G replaced by A.
Protein change: p.Glu44Lys; replaces glutamic acid 44 with lysine.
Molecular consequence: missense variant.
Genome position (GRCh38, 1-based): chr2:32,252,551, C>T on the plus strand (G>A on the coding strand, the complement: NLRC4 is on the minus strand). VCF-style: chr2-32252551-C-T. GRCh37 (hg19) VCF-style: chr2-32477620-C-T.
Other names: c.130G>A, p.Glu44Lys (NM_001199139.2, NM_001302504.2, NM_021209.5); short protein forms E44K.
Identifiers: ClinVar variation 4793018 (VCV004793018.1).
Genomic context (GRCh38, chr2:32,252,551, plus strand): 5'-CTGAACCCTTTTTCAAAATCATGTGAATGATCCCTCTAGCAGCATCCTGCTCCACCTTCT[C>T]GCAGCAAATGATGTTTACTTCTTCGCGATTCAGAACATTCCATACAAATAGGTCATCTGT-3'
Protein context (NP_001186067.1, residues 34-54): NREEVNIICC[Glu44Lys]KVEQDAARGI